The following is an entry in ClinVar:

NM_004958.4(MTOR):c.2487G>A (p.Gln829=)

Gene: MTOR (mechanistic target of rapamycin kinase; minus strand). Cytogenetic location: 1p36.22.
Variant type: single nucleotide variant.
Coding change: c.2487G>A on transcript NM_004958.4 (MANE Select); coding-DNA position 2487, G replaced by A.
Protein change: p.Gln829=; no amino-acid change (glutamine 829 retained).
Molecular consequence: synonymous variant.
Genome position (GRCh38, 1-based): chr1:11,232,463, C>T on the plus strand (G>A on the coding strand, the complement: MTOR is on the minus strand). VCF-style: chr1-11232463-C-T. GRCh37 (hg19) VCF-style: chr1-11292520-C-T.
Identifiers: ClinVar variation 794327 (VCV000794327.11), dbSNP rs780170152, ClinGen allele CA590476.
Genomic context (GRCh38, chr1:11,232,463, plus strand): 5'-TGTCTTGCTCAATCAGGAAGCAGTAATACTCACCTGCCTTTTGGCCAACAAAGAGGAATC[C>T]TGGAGCATGTCCATGATGATAATAAAAAGTTCATCAACCCATTTCCTCATTTCCAGGCCA-3'
Protein context (NP_004949.1, residues 819-839): ELFIIIMDML[Gln829=]DSSLLAKRQV

ClinVar aggregate classification (germline): Likely benign. Review status: criteria provided, multiple submitters, no conflicts (2 of 4 stars). 2 submissions from 2 submitters: Likely benign (2). Last evaluated 2025-12-13.

Conditions:
MTOR-related disorder. Also called: MTOR-related condition.

Allele frequency attached by ClinVar (database versions not stated): gnomAD exomes 0.00001; ExAC 0.00002; TOPMed below 0.00001.
gnomAD v4.1: 9 of 1,613,992 alleles (0.00056%); highest among the groups gnomAD compares: South Asian, 0.0066%; no homozygotes.

Submissions (2):

PreventionGenetics, part of Exact Sciences
Classification: Likely benign for MTOR-related condition. Last evaluated: 2025-12-13. Review status: criteria provided, single submitter. Criteria: ACMG Guidelines, 2015. Collection method: clinical testing. Allele origin: germline.
Comment: This variant is classified as likely benign based on ACMG/AMP sequence variant interpretation guidelines (Richards et al. 2015 PMID: 25741868, with internal and published modifications).

Labcorp Genetics (formerly Invitae), Labcorp
Classification: Likely benign. Last evaluated: 2020-11-17. Review status: criteria provided, single submitter. Criteria: Invitae Variant Classification Sherloc (09022015). Collection method: clinical testing. Allele origin: germline.